The following is an entry in ClinVar:

NM_001164665.2(KIAA1549):c.2195C>T (p.Ala732Val)

Gene: KIAA1549 (KIAA1549; minus strand). Cytogenetic location: 7q34.
Variant type: single nucleotide variant.
Coding change: c.2195C>T on transcript NM_001164665.2 (MANE Select); coding-DNA position 2195, C replaced by T.
Protein change: p.Ala732Val; replaces alanine 732 with valine.
Molecular consequence: missense variant.
Genome position (GRCh38, 1-based): chr7:138,917,431, G>A on the plus strand (C>T on the coding strand, the complement: KIAA1549 is on the minus strand). VCF-style: chr7-138917431-G-A. GRCh37 (hg19) VCF-style: chr7-138602177-G-A.
Other names: c.2195C>T, p.Ala732Val (NM_020910.3); short protein forms A732V.
Identifiers: ClinVar variation 953532 (VCV000953532.11), dbSNP rs375118283, ClinGen allele CA4506556.
Genomic context (GRCh38, chr7:138,917,431, plus strand): 5'-GTAGTTTCAATGAAAGCTGAGGTAAAATGAGCTTCTGAATCCGTCAGTGAAACCGTAGAC[G>A]CTTCAACAAACTCGAGAGAATCAGAAGGGAAGCTTGACCATGGTGACACCTCAGAACGGC-3'
Protein context (NP_001158137.1, residues 722-742): FPSDSLEFVE[Ala732Val]STVSLTDSEA

ClinVar aggregate classification (germline): Conflicting classifications of pathogenicity. Review status: criteria provided, conflicting classifications (1 of 4 stars). 4 submissions from 4 submitters: Uncertain significance (3); Likely benign (1). Last evaluated 2025-05-13.

Conditions:
Inborn genetic diseases. Identifiers: MedGen C0950123, MeSH D030342.
Retinal dystrophy. Also called: Inherited retinal dystrophy. Identifiers: Orphanet 71862, MedGen C0854723, MeSH D058499, MONDO:0019118, HP:0000556.

Allele frequency attached by ClinVar (database versions not stated): gnomAD exomes 0.00004 and 0.00007; ExAC 0.00006; 1000 Genomes Project 0.00020; gnomAD 0.00022 and 0.00024; ESP Exome Variant Server 0.00025; TOPMed 0.00030; 1000 Genomes Project 30x 0.00031.
gnomAD v4.1: 90 of 1,613,934 alleles (0.0056%); highest among the groups gnomAD compares: African/African-American, 0.085%; no homozygotes.

Submissions (4):

Ambry Genetics
Classification: Uncertain significance for Inborn genetic diseases. Last evaluated: 2025-05-13. Review status: criteria provided, single submitter. Criteria: Ambry Variant Classification Scheme 2023. Collection method: clinical testing. Allele origin: germline.

Labcorp Genetics (formerly Invitae), Labcorp
Classification: Uncertain significance. Last evaluated: 2025-04-28. Review status: criteria provided, single submitter. Criteria: Invitae Variant Classification Sherloc (09022015). Collection method: clinical testing. Allele origin: germline.
Comment: This sequence change replaces alanine, which is neutral and non-polar, with valine, which is neutral and non-polar, at codon 732 of the KIAA1549 protein (p.Ala732Val). This variant is present in population databases (rs375118283, gnomAD 0.07%). This variant has not been reported in the literature in individuals affected with KIAA1549-related conditions. ClinVar contains an entry for this variant (Variation ID: 953532). An algorithm developed to predict the effect of missense changes on protein structure and function outputs the following: PolyPhen-2: "Benign". The valine amino acid residue is found in multiple mammalian species, which suggests that this missense change does not adversely affect protein function. In summary, the available evidence is currently insufficient to determine the role of this variant in disease. Therefore, it has been classified as a Variant of Uncertain Significance.

Blueprint Genetics
Classification: Likely benign. Last evaluated: 2024-02-27. Review status: criteria provided, single submitter. Criteria: ACMG Guidelines, 2015. Collection method: clinical testing. Allele origin: germline.

Dept Of Ophthalmology, Nagoya University
Classification: Uncertain significance for Retinal dystrophy. Last evaluated: 2023-10-01. Review status: criteria provided, single submitter. Criteria: Submitter's publication. Collection method: research. Allele origin: germline. Affected: yes.